The following is an entry in ClinVar:

ClinVar aggregate classification (germline): Uncertain significance (0 of 4 stars; one submission).

Conditions:
TARDBP-related disorder. Also called: TARDBP-related condition.

Submission:

PreventionGenetics, part of Exact Sciences
Classification: Uncertain significance for TARDBP-related condition. Last evaluated: 2024-09-26. Review status: no assertion criteria provided. Collection method: clinical testing. Allele origin: germline.
Comment: The TARDBP c.829G>C variant is predicted to result in the amino acid substitution p.Gly277Arg. To our knowledge, this variant has not been reported in the literature or in a large population database, indicating this variant is rare. At this time, the clinical significance of this variant is uncertain due to the absence of conclusive functional and genetic evidence.

NM_007375.4(TARDBP):c.829G>C (p.Gly277Arg)

Gene: TARDBP (TAR DNA binding protein; plus strand). Cytogenetic location: 1p36.22.
Variant type: single nucleotide variant.
Coding change: c.829G>C on transcript NM_007375.4 (MANE Select); coding-DNA position 829, G replaced by C.
Protein change: p.Gly277Arg; replaces glycine 277 with arginine.
Molecular consequence: missense variant.
Genome position (GRCh38, 1-based): chr1:11,022,238, G>C. VCF-style: chr1-11022238-G-C. GRCh37 (hg19) VCF-style: chr1-11082295-G-C.
Other names: short protein forms G277R.
Identifiers: ClinVar variation 3351252 (VCV003351252.1).